The following is an entry in ClinVar:

ClinVar aggregate classification (germline): Uncertain significance. Review status: criteria provided, multiple submitters, no conflicts (2 of 4 stars). 2 submissions from 2 submitters: Uncertain significance (2). Last evaluated 2025-06-12.

Conditions:
Inborn genetic diseases. Identifiers: MedGen C0950123, MeSH D030342.

Allele frequency attached by ClinVar (database versions not stated): ExAC 0.00011; gnomAD 0.00036; ESP Exome Variant Server 0.00054.

Submissions (2):

Labcorp Genetics (formerly Invitae), Labcorp
Classification: Uncertain significance. Last evaluated: 2025-06-12. Review status: criteria provided, single submitter. Criteria: Invitae Variant Classification Sherloc (09022015). Collection method: clinical testing. Allele origin: germline.
Comment: This sequence change replaces alanine, which is neutral and non-polar, with threonine, which is neutral and polar, at codon 415 of the TBX18 protein (p.Ala415Thr). This variant is present in population databases (rs145891330, gnomAD 0.1%), and has an allele count higher than expected for a pathogenic variant. This variant has not been reported in the literature in individuals affected with TBX18-related conditions. ClinVar contains an entry for this variant (Variation ID: 2393434). Invitae Evidence Modeling of protein sequence and biophysical properties (such as structural, functional, and spatial information, amino acid conservation, physicochemical variation, residue mobility, and thermodynamic stability) indicates that this missense variant is not expected to disrupt TBX18 protein function with a negative predictive value of 80%. In summary, the available evidence is currently insufficient to determine the role of this variant in disease. Therefore, it has been classified as a Variant of Uncertain Significance.

Ambry Genetics
Classification: Uncertain significance for Inborn genetic diseases. Last evaluated: 2021-08-09. Review status: criteria provided, single submitter. Criteria: Ambry Variant Classification Scheme 2023. Collection method: clinical testing. Allele origin: germline.

NM_001080508.3(TBX18):c.1243G>A (p.Ala415Thr)

Gene: TBX18 (T-box transcription factor 18; minus strand). Cytogenetic location: 6q14.3.
Variant type: single nucleotide variant.
Coding change: c.1243G>A on transcript NM_001080508.3 (MANE Select); coding-DNA position 1243, G replaced by A.
Protein change: p.Ala415Thr; replaces alanine 415 with threonine.
Molecular consequence: missense variant.
Genome position (GRCh38, 1-based): chr6:84,737,266, C>T on the plus strand (G>A on the coding strand, the complement: TBX18 is on the minus strand). VCF-style: chr6-84737266-C-T. GRCh37 (hg19) VCF-style: chr6-85446984-C-T.
Other names: short protein forms A415T.
Identifiers: ClinVar variation 2393434 (VCV002393434.5), dbSNP rs145891330, ClinGen allele CA3910874.